The following is an entry in ClinVar:

NM_002616.3(PER1):c.1138del (p.Leu380fs)

Gene: PER1 (period circadian regulator 1; minus strand). Cytogenetic location: 17p13.1.
Variant type: Deletion.
Coding change: c.1138del on transcript NM_002616.3 (MANE Select); coding-DNA position 1138, one base deleted (C; older notation c.1138delC).
Protein change: p.Leu380fs; shifts the reading frame from leucine 380.
Molecular consequence: frameshift variant.
Genome position (GRCh38, 1-based): chr17:8,148,093, G deleted on the plus strand (C on the coding strand, the reverse complement: PER1 is on the minus strand); the first of 6 consecutive G bases (chr17:8,148,093-8,148,098); deleting any one gives the same sequence. VCF-style (leftmost placement, unchanged base first): chr17-8148092-AG-A. GRCh37 (hg19) VCF-style: chr17-8051410-AG-A.
Other names: short protein forms L380fs.
Identifiers: ClinVar variation 4883935 (VCV004883935.2).

ClinVar aggregate classification (germline): Uncertain significance (1 of 4 stars; one submission).

Submission:

Dasa
Classification: Uncertain significance. Last evaluated: 2025-10-31. Review status: criteria provided, single submitter. Criteria: DASA Assertion Criteria. Collection method: clinical testing. Allele origin: germline.
Comment: NM_002616.3(PER1):c.1138del (p.Leu380Cysfs*73) is a frameshift variant in PER1 predicted to alter the reading frame and introduce a premature termination codon. This variant is rare in population databases. The currently available literature and clinical evidence are not sufficient to establish a definitive association between this variant and the reported condition. Therefore, this variant is classified as a variant of uncertain significance.